The following is an entry in ClinVar:

ClinVar aggregate classification (germline): Likely pathogenic (1 of 4 stars; one submission).

Submission:

Dasa
Classification: Likely pathogenic. Last evaluated: 2024-07-11. Review status: criteria provided, single submitter. Criteria: DASA Assertion Criteria. Collection method: clinical testing. Allele origin: germline.
Comment: NM_000053.4(ATP7B):c.2203del (p.Leu735Trpfs*27) is a frameshift variant in ATP7B predicted to alter the reading frame and introduce a premature termination codon and is predicted to result in an absent or altered protein product. Loss of function is an established disease mechanism for ATP7B-associated disorders. Also, this variant is absent from population databases. Based on the currently available evidence, this variant is classified as likely pathogenic.

NM_000053.4(ATP7B):c.2203del (p.Leu735fs)

Gene: ATP7B (ATPase copper transporting beta; minus strand). Cytogenetic location: 13q14.3.
Variant type: Deletion.
Coding change: c.2203del on transcript NM_000053.4 (MANE Select); coding-DNA position 2203, one base deleted (C; older notation c.2203delC).
Protein change: p.Leu735fs; shifts the reading frame from leucine 735.
Molecular consequence: frameshift variant. On other transcripts: intron variant (20).
Genome position (GRCh38, 1-based): chr13:51,958,463, G deleted on the plus strand (C on the coding strand, the reverse complement: ATP7B is on the minus strand); the first of 2 consecutive G bases (chr13:51,958,463-51,958,464); deleting either gives the same sequence. VCF-style (leftmost placement, unchanged base first): chr13-51958462-AG-A. GRCh37 (hg19) VCF-style: chr13-52532598-AG-A.
Other names: c.1870del, p.Leu624fs (NM_001243182.2); c.1951del, p.Leu651fs (NM_001330579.2, NM_001406531.1, NM_001406532.1 and 1 more transcripts); c.2203del, p.Leu735fs (NM_001406511.1, NM_001406512.1, NM_001406513.1 and 7 more transcripts); c.2170del, p.Leu724fs (NM_001406514.1); c.2107del, p.Leu703fs (NM_001406517.1, NM_001406518.1); c.1774del, p.Leu592fs (NM_001406539.1); c.1855del, p.Leu619fs (NM_001406543.1); c.1870-856del (NM_001406541.1, NM_001005918.3, NM_001406546.1 and 1 more transcripts); and 8 more; short protein forms L592fs, L619fs, L624fs, L651fs, L703fs, L724fs, L735fs.
Identifiers: ClinVar variation 4856833 (VCV004856833.2).